The following is an entry in ClinVar:

ClinVar aggregate classification (germline): Uncertain significance (1 of 4 stars; one submission).

Submission:

Labcorp Genetics (formerly Invitae), Labcorp
Classification: Uncertain significance. Last evaluated: 2023-03-08. Review status: criteria provided, single submitter. Criteria: Invitae Variant Classification Sherloc (09022015). Collection method: clinical testing. Allele origin: germline.
Comment: In summary, the available evidence is currently insufficient to determine the role of this variant in disease. Therefore, it has been classified as a Variant of Uncertain Significance. Algorithms developed to predict the effect of missense changes on protein structure and function output the following: SIFT: "Not Available"; PolyPhen-2: "Benign"; Align-GVGD: "Not Available". The methionine amino acid residue is found in multiple mammalian species, which suggests that this missense change does not adversely affect protein function. This variant has not been reported in the literature in individuals affected with AP3D1-related conditions. This variant is not present in population databases (gnomAD no frequency). This sequence change replaces valine, which is neutral and non-polar, with methionine, which is neutral and non-polar, at codon 968 of the AP3D1 protein (p.Val968Met).

NM_001261826.3(AP3D1):c.2902G>A (p.Val968Met)

Gene: AP3D1 (adaptor related protein complex 3 subunit delta 1; minus strand). Cytogenetic location: 19p13.3.
Variant type: single nucleotide variant.
Coding change: c.2902G>A on transcript NM_001261826.3 (MANE Select); coding-DNA position 2902, G replaced by A.
Protein change: p.Val968Met; replaces valine 968 with methionine.
Molecular consequence: missense variant.
Genome position (GRCh38, 1-based): chr19:2,111,714, C>T on the plus strand (G>A on the coding strand, the complement: AP3D1 is on the minus strand). VCF-style: chr19-2111714-C-T. GRCh37 (hg19) VCF-style: chr19-2111713-C-T.
Other names: c.2866G>A, p.Val956Met (NM_001374799.1); c.2716G>A, p.Val906Met (NM_003938.8); short protein forms V968M, V956M, V906M.
Identifiers: ClinVar variation 2802078 (VCV002802078.3), dbSNP rs2512137194, ClinGen allele CA403203904.